The following is an entry in ClinVar:

ClinVar aggregate classification (germline): Pathogenic (1 of 4 stars; one submission).

Conditions:
Osteogenesis imperfecta type I (OI1). Also called: Lobstein disease; Osteogenesis imperfecta type 1; Classic Non-deforming Osteogenesis Imperfecta with Blue Sclerae; OI, TYPE I; OSTEOGENESIS IMPERFECTA TARDA; OSTEOGENESIS IMPERFECTA WITH BLUE SCLERAE. Identifiers: Orphanet 216796, Orphanet 666, MedGen C0023931, MONDO:0008146, OMIM 166200. Disease mechanism: loss of function.

Submission:

Labcorp Genetics (formerly Invitae), Labcorp
Classification: Pathogenic for Osteogenesis imperfecta type I. Last evaluated: 2019-11-01. Review status: criteria provided, single submitter. Criteria: Invitae Variant Classification Sherloc (09022015). Collection method: clinical testing. Allele origin: unknown.
Comment: For these reasons, this variant has been classified as Pathogenic. Loss-of-function variants in COL1A1 are known to be pathogenic (PMID: 7942841, 9295084, 9443882). This variant has not been reported in the literature in individuals with COL1A1-related conditions. This variant is a deletion of the genomic region encompassing exon 31 and part of exons 30 and 32 (c.2014_2176del) of the COL1A1 gene. This is expected to create a premature translational stop signal and result in an absent or disrupted protein product.

Literature cited by the submitters: PubMed 7942841; PubMed 9295084; PubMed 9443882.

NC_000017.10:g.(?_48268803)_(48269354_?)del

Gene: COL1A1 (collagen type I alpha 1 chain; minus strand). Cytogenetic location: 17q21.33.
Variant type: Deletion.
Identifiers: ClinVar variation 3242842 (VCV003242842.1).